The following is an entry in ClinVar:

ClinVar aggregate classification (germline): Likely benign (1 of 4 stars; one submission).

Submission:

CeGaT Center for Human Genetics Tuebingen
Classification: Likely benign. Last evaluated: 2024-12-01. Review status: criteria provided, single submitter. Criteria: CeGaT Center For Human Genetics Tuebingen Variant Classification Criteria Version 2. Collection method: clinical testing. Allele origin: germline. Affected: yes. Observed: 1 variant allele.
Comment: GAA: PM2:Supporting, BP4, BP7

NM_000152.5(GAA):c.186A>G (p.Arg62=)

Gene: GAA (alpha glucosidase; plus strand). Cytogenetic location: 17q25.3.
Variant type: single nucleotide variant.
Coding change: c.186A>G on transcript NM_000152.5 (MANE Select); coding-DNA position 186, A replaced by G.
Protein change: p.Arg62=; no amino-acid change (arginine 62 retained).
Molecular consequence: synonymous variant.
Genome position (GRCh38, 1-based): chr17:80,104,772, A>G. VCF-style: chr17-80104772-A-G. GRCh37 (hg19) VCF-style: chr17-78078571-A-G.
Other names: c.186A>G, p.Arg62= (NM_001079803.3, NM_001079804.3, NM_001406741.1 and 1 more transcripts).
Identifiers: ClinVar variation 3771910 (VCV003771910.13).